The following is an entry in ClinVar:

NM_018993.4(RIN2):c.1045C>T (p.Pro349Ser)

Gene: RIN2 (Ras and Rab interactor 2; plus strand). Cytogenetic location: 20p11.23.
Variant type: single nucleotide variant.
Coding change: c.1045C>T on transcript NM_018993.4 (MANE Select); coding-DNA position 1045, C replaced by T.
Protein change: p.Pro349Ser; replaces proline 349 with serine.
Molecular consequence: missense variant.
Genome position (GRCh38, 1-based): chr20:19,975,070, C>T. VCF-style: chr20-19975070-C-T. GRCh37 (hg19) VCF-style: chr20-19955714-C-T.
Other names: c.1192C>T, p.Pro398Ser (NM_001242581.2); c.427C>T, p.Pro143Ser (NM_001378238.1); short protein forms P349S, P398S, P143S.
Identifiers: ClinVar variation 436540 (VCV000436540.25), dbSNP rs201486809, ClinGen allele CA9780002.

ClinVar aggregate classification (germline): Conflicting classifications of pathogenicity. Review status: criteria provided, conflicting classifications (1 of 4 stars). 7 submissions from 7 submitters: Uncertain significance (2); Likely benign (4). 1 of the submissions does not count toward it. Last evaluated 2026-08-01.

Conditions:
RIN2-related disorder. Also called: RIN2-related condition.
Inborn genetic diseases. Identifiers: MedGen C0950123, MeSH D030342.

Allele frequency attached by ClinVar (database versions not stated): 1000 Genomes Project 0.00080; ESP Exome Variant Server 0.00089; ExAC 0.00090; gnomAD 0.00094 and 0.00097; TOPMed 0.00117; 1000 Genomes Project 30x 0.00125.

Submissions (7):

CeGaT Center for Human Genetics Tuebingen
Classification: Likely benign. Last evaluated: 2026-08-01. Review status: criteria provided, single submitter. Criteria: CeGaT Center For Human Genetics Tuebingen Variant Classification Criteria Version 2. Collection method: clinical testing. Allele origin: germline. Affected: yes. Observed: 2 variant alleles.
Comment: RIN2: BP4, BS2

Labcorp Genetics (formerly Invitae), Labcorp
Classification: Likely benign. Last evaluated: 2026-02-01. Review status: criteria provided, single submitter. Criteria: Invitae Variant Classification Sherloc (09022015). Collection method: clinical testing. Allele origin: germline.

Blueprint Genetics
Classification: Likely benign. Last evaluated: 2024-10-21. Review status: criteria provided, single submitter. Criteria: ACMG Guidelines, 2015. Collection method: clinical testing. Allele origin: germline.

Ambry Genetics
Classification: Uncertain significance for Inborn genetic diseases. Last evaluated: 2021-10-05. Review status: criteria provided, single submitter. Criteria: Ambry Variant Classification Scheme 2023. Collection method: clinical testing. Allele origin: germline.

GeneDx
Classification: Likely benign. Last evaluated: 2021-03-17. Review status: criteria provided, single submitter. Criteria: GeneDx Variant Classification Process June 2021. Collection method: clinical testing. Allele origin: germline. Affected: yes.

Genetic Services Laboratory, University of Chicago
Classification: Uncertain significance. Last evaluated: 2016-11-23. Review status: criteria provided, single submitter. Criteria: ACMG Guidelines, 2015. Collection method: clinical testing. Allele origin: germline. Affected: no.

PreventionGenetics, part of Exact Sciences
Classification: Likely benign for RIN2-related condition. Last evaluated: 2022-12-09. Review status: no assertion criteria provided. Collection method: clinical testing. Allele origin: germline. Not counted in ClinVar's aggregate classification.
Comment: This variant is classified as likely benign based on ACMG/AMP sequence variant interpretation guidelines (Richards et al. 2015 PMID: 25741868, with internal and published modifications).